The following is an entry in ClinVar:

ClinVar aggregate classification (germline): Pathogenic (1 of 4 stars; one submission).

Conditions:
Familial cancer of breast. Also called: BREAST CANCER, FAMILIAL; Hereditary breast cancer; hereditary breast carcinoma. Identifiers: Orphanet 227535, MedGen C0346153, MONDO:0016419, OMIM 114480. Disease mechanism: loss of function.

Submission:

Myriad Genetics, Inc.
Classification: Pathogenic for Familial cancer of breast. Last evaluated: 2025-12-23. Review status: criteria provided, single submitter. Criteria: Myriad Autosomal Dominant, Autosomal Recessive and X-Linked Classification Criteria (2023). Collection method: clinical testing. Allele origin: unknown.
Comment: This variant is considered pathogenic. This variant creates a frameshift predicted to result in premature protein truncation.

NM_000051.4(ATM):c.7368dup (p.Glu2457fs)

Genes: C11orf65 (chromosome 11 open reading frame 65; minus strand), ATM (ATM serine/threonine kinase; plus strand). Cytogenetic location: 11q22.3.
Variant type: Duplication.
Coding change: c.7368dup on transcript NM_000051.4 (MANE Select); coding-DNA position 7368, one base duplicated (A; older notation c.7368dupA).
Protein change: p.Glu2457fs; shifts the reading frame from glutamic acid 2457.
Molecular consequence: frameshift variant. On other transcripts: intron variant (2).
Genome position (GRCh38, 1-based): chr11:108,330,274, A duplicated; the last of 3 consecutive A bases (chr11:108,330,272-108,330,274); duplicating any one gives the same sequence. VCF-style (leftmost placement, unchanged base first): chr11-108330271-G-GA. GRCh37 (hg19) VCF-style: chr11-108200998-G-GA.
Other names: c.7368dup, p.Glu2457fs (NM_001351834.2); c.641-21201dup (NM_001330368.2); c.*38+4948dup (NM_001351110.2); short protein forms E2457fs.
Identifiers: ClinVar variation 4813028 (VCV004813028.1).